The following is an entry in ClinVar:

ClinVar aggregate classification (germline): Benign/Likely benign. Review status: criteria provided, multiple submitters, no conflicts (2 of 4 stars). 6 submissions from 6 submitters: Benign (1); Likely benign (5). Last evaluated 2026-01-18.

Conditions:
Cardiovascular phenotype. Identifiers: MedGen CN230736.
Cardiomyopathy (CMYO). Also called: Cardiomyopathies. Identifiers: Orphanet 167848, MedGen C0878544, MONDO:0004994, HP:0001638. Inheritance: Various modes of inheritance.
Hypertrophic cardiomyopathy. Also called: HYPERTROPHIC MYOCARDIOPATHY. Identifiers: Orphanet 217569, MedGen C0007194, MeSH D002312, MONDO:0005045, HP:0001639.

Allele frequency attached by ClinVar (database versions not stated): ExAC 0.00002; gnomAD 0.00002; TOPMed 0.00002.
gnomAD v4.1: 27 of 1,613,998 alleles (0.0017%); highest among the groups gnomAD compares: Non-Finnish European, 0.002%; no homozygotes.

Submissions (6):

Labcorp Genetics (formerly Invitae), Labcorp
Classification: Likely benign for Hypertrophic cardiomyopathy. Last evaluated: 2026-01-18. Review status: criteria provided, single submitter. Criteria: Invitae Variant Classification Sherloc (09022015). Collection method: clinical testing. Allele origin: germline.

All of Us Research Program, National Institutes of Health
Classification: Likely benign for Hypertrophic cardiomyopathy. Last evaluated: 2024-01-11. Review status: criteria provided, single submitter. Criteria: ACMG Guidelines, 2015. Collection method: clinical testing. Allele origin: germline. Inheritance: Autosomal dominant inheritance. Observed: 8 variant alleles, 8 heterozygotes.
Comment: This study involves interpretation of variants in research participants for the purpose of population health screening. Participant phenotype was not available at the time of variant classification. Additional details can be found in publication PMID: 35346344, PMCID: PMC8962531

Color Diagnostics, LLC DBA Color Health
Classification: Likely benign for Cardiomyopathy. Last evaluated: 2022-09-16. Review status: criteria provided, single submitter. Criteria: ACMG Guidelines, 2015. Collection method: clinical testing. Allele origin: germline.

Blueprint Genetics
Classification: Likely benign. Last evaluated: 2021-07-09. Review status: criteria provided, single submitter. Criteria: ACMG Guidelines, 2015. Collection method: clinical testing. Allele origin: germline.

Ambry Genetics
Classification: Likely benign for Cardiovascular phenotype. Last evaluated: 2020-01-29. Review status: criteria provided, single submitter. Criteria: Ambry Variant Classification Scheme 2023. Collection method: clinical testing. Allele origin: germline.

GeneDx
Classification: Benign. Last evaluated: 2015-03-03. Review status: criteria provided, single submitter. Criteria: GeneDx Variant Classification Process June 2021. Collection method: clinical testing. Allele origin: germline. Affected: yes.

NM_001018005.2(TPM1):c.663T>C (p.Tyr221=)

Gene: TPM1 (tropomyosin 1; plus strand). Cytogenetic location: 15q22.2.
Variant type: single nucleotide variant.
Coding change: c.663T>C on transcript NM_001018005.2 (MANE Select); coding-DNA position 663, T replaced by C.
Protein change: p.Tyr221=; no amino-acid change (tyrosine 221 retained).
Molecular consequence: synonymous variant.
Genome position (GRCh38, 1-based): chr15:63,062,238, T>C. VCF-style: chr15-63062238-T-C. GRCh37 (hg19) VCF-style: chr15-63354437-T-C.
Other names: c.663T>C, p.Tyr221= (NM_000366.6, NM_001365776.1, NM_001365777.1 and 6 more transcripts); c.555T>C, p.Tyr185= (NM_001330346.2, NM_001330351.2, NM_001365780.1 and 5 more transcripts); c.789T>C, p.Tyr263= (NM_001365778.1).
Identifiers: ClinVar variation 1094322 (VCV001094322.16), dbSNP rs774859181, ClinGen allele CA031296.